The following is an entry in ClinVar:

ClinVar aggregate classification (germline): Uncertain significance (1 of 4 stars; one submission).

Allele frequency attached by ClinVar (database versions not stated): ExAC 0.00003.
gnomAD v4.1: 31 of 1,613,066 alleles (0.0019%); highest among the groups gnomAD compares: East Asian, 0.0045%; no homozygotes.

Submission:

Labcorp Genetics (formerly Invitae), Labcorp
Classification: Uncertain significance. Last evaluated: 2022-01-12. Review status: criteria provided, single submitter. Criteria: Invitae Variant Classification Sherloc (09022015). Collection method: clinical testing. Allele origin: germline.
Comment: This sequence change replaces arginine, which is basic and polar, with cysteine, which is neutral and slightly polar, at codon 512 of the CRAT protein (p.Arg512Cys). In summary, the available evidence is currently insufficient to determine the role of this variant in disease. Therefore, it has been classified as a Variant of Uncertain Significance. Algorithms developed to predict the effect of missense changes on protein structure and function are either unavailable or do not agree on the potential impact of this missense change (SIFT: "Deleterious"; PolyPhen-2: "Benign"; Align-GVGD: "Class C0"). This variant has not been reported in the literature in individuals affected with CRAT-related conditions. This variant is present in population databases (rs755208792, gnomAD 0.01%).

NM_000755.5(CRAT):c.1534C>T (p.Arg512Cys)

Gene: CRAT (carnitine O-acetyltransferase; minus strand). Cytogenetic location: 9q34.11.
Variant type: single nucleotide variant.
Coding change: c.1534C>T on transcript NM_000755.5 (MANE Select); coding-DNA position 1534, C replaced by T.
Protein change: p.Arg512Cys; replaces arginine 512 with cysteine.
Molecular consequence: missense variant.
Genome position (GRCh38, 1-based): chr9:129,096,129, G>A on the plus strand (C>T on the coding strand, the complement: CRAT is on the minus strand). VCF-style: chr9-129096129-G-A. GRCh37 (hg19) VCF-style: chr9-131858408-G-A.
Other names: c.1471C>T, p.Arg491Cys (NM_001257363.3, NM_001346548.2, NM_004003.4); c.1537C>T, p.Arg513Cys (NM_001346546.2); c.1534C>T, p.Arg512Cys (NM_001346547.2); c.1414C>T, p.Arg472Cys (NM_001346549.2); short protein forms R491C, R512C, R513C, R472C.
Identifiers: ClinVar variation 1485972 (VCV001485972.6), dbSNP rs755208792, ClinGen allele CA5275322.